The following is an entry in ClinVar:

NM_002474.3(MYH11):c.5314G>A (p.Glu1772Lys)

Genes: MYH11 (myosin heavy chain 11; minus strand), NDE1 (nudE neurodevelopment protein 1; plus strand). Cytogenetic location: 16p13.11.
Variant type: single nucleotide variant.
Coding change: c.5314G>A on transcript NM_002474.3 (MANE Select); coding-DNA position 5314, G replaced by A.
Protein change: p.Glu1772Lys; replaces glutamic acid 1772 with lysine.
Molecular consequence: missense variant. On other transcripts: intron variant (2).
Genome position (GRCh38, 1-based): chr16:15,717,330, C>T on the plus strand (G>A on the coding strand, the complement: MYH11 is on the minus strand). VCF-style: chr16-15717330-C-T. GRCh37 (hg19) VCF-style: chr16-15811187-C-T.
Other names: c.5335G>A, p.Glu1779Lys (NM_001040113.2, NM_001040114.2); c.5314G>A, p.Glu1772Lys (NM_022844.3); c.948-6861C>T (NM_001143979.2, NM_017668.3); short protein forms E1779K, E1772K.
Identifiers: ClinVar variation 2543749 (VCV002543749.5), dbSNP rs369969369, ClinGen allele CA278595190.

ClinVar aggregate classification (germline): Uncertain significance. Review status: criteria provided, multiple submitters, no conflicts (2 of 4 stars). 3 submissions from 3 submitters: Uncertain significance (3). Last evaluated 2025-09-01.

Conditions:
Familial thoracic aortic aneurysm and aortic dissection (TAAD). Also called: Thoracic aortic aneurysms and dissections. Identifiers: Orphanet 91387, MedGen C4707243, MONDO:0019625.
Aortic aneurysm, familial thoracic 4 (AAT4). Also called: AORTIC ANEURYSM/AORTIC DISSECTION AND PATENT DUCTUS ARTERIOSUS. Identifiers: MedGen C1851504, MONDO:0007568, OMIM 132900.

Allele frequency attached by ClinVar (database versions not stated): TOPMed below 0.00001; gnomAD 0.00001.
gnomAD v4.1: 2 of 1,608,912 alleles (0.00012%); highest among the groups gnomAD compares: Non-Finnish European, 0.000085%; no homozygotes.

Submissions (3):

Labcorp Genetics (formerly Invitae), Labcorp
Classification: Uncertain significance for Aortic aneurysm, familial thoracic 4. Last evaluated: 2025-09-01. Review status: criteria provided, single submitter. Criteria: Invitae Variant Classification Sherloc (09022015). Collection method: clinical testing. Allele origin: germline.
Comment: This sequence change replaces glutamic acid, which is acidic and polar, with lysine, which is basic and polar, at codon 1779 of the MYH11 protein (p.Glu1779Lys). This variant is present in population databases (rs369969369, gnomAD 0.0009%). This variant has not been reported in the literature in individuals affected with MYH11-related conditions. ClinVar contains an entry for this variant (Variation ID: 2543749). Invitae Evidence Modeling of protein sequence and biophysical properties (such as structural, functional, and spatial information, amino acid conservation, physicochemical variation, residue mobility, and thermodynamic stability) indicates that this missense variant is not expected to disrupt MYH11 protein function with a negative predictive value of 95%. In summary, the available evidence is currently insufficient to determine the role of this variant in disease. Therefore, it has been classified as a Variant of Uncertain Significance.

Ambry Genetics
Classification: Uncertain significance for Familial thoracic aortic aneurysm and aortic dissection. Last evaluated: 2025-03-23. Review status: criteria provided, single submitter. Criteria: Ambry Variant Classification Scheme 2023. Collection method: clinical testing. Allele origin: germline.
Comment: The p.E1772K variant (also known as c.5314G>A), located in coding exon 37 of the MYH11 gene, results from a G to A substitution at nucleotide position 5314. The glutamic acid at codon 1772 is replaced by lysine, an amino acid with similar properties. This amino acid position is conserved. In addition, this alteration is predicted to be deleterious by in silico analysis. Based on the available evidence, the clinical significance of this variant remains unclear.

All of Us Research Program, National Institutes of Health
Classification: Uncertain significance for Familial thoracic aortic aneurysm and aortic dissection. Last evaluated: 2023-05-04. Review status: criteria provided, single submitter. Criteria: ACMG Guidelines, 2015. Collection method: clinical testing. Allele origin: germline. Inheritance: Autosomal dominant inheritance. Observed: 1 variant allele, 1 heterozygote.
Comment: This missense variant replaces glutamic acid with lysine at codon 1779 of the MYH11 protein. Computational prediction suggests that this variant may have deleterious impact on protein structure and function (internally defined REVEL score threshold >= 0.7, PMID: 27666373). To our knowledge, functional studies have not been reported for this variant. This variant has not been reported in individuals affected with MYH11-related disorders in the literature. This variant has been identified in 1/246876 chromosomes in the general population by the Genome Aggregation Database (gnomAD). The available evidence is insufficient to determine the role of this variant in disease conclusively. Therefore, this variant is classified as a Variant of Uncertain Significance.

This study involves interpretation of variants in research participants for the purpose of population health screening. Participant phenotype was not available at the time of variant classification. Additional details can be found in publication PMID: 35346344, PMCID: PMC8962531